The following is an entry in ClinVar:

NM_024675.4(PALB2):c.2875G>A (p.Val959Ile)

Gene: PALB2 (partner and localizer of BRCA2; minus strand). Cytogenetic location: 16p12.2.
Variant type: single nucleotide variant.
Coding change: c.2875G>A on transcript NM_024675.4 (MANE Select); coding-DNA position 2875, G replaced by A.
Protein change: p.Val959Ile; replaces valine 959 with isoleucine.
Molecular consequence: missense variant.
Genome position (GRCh38, 1-based): chr16:23,623,090, C>T on the plus strand (G>A on the coding strand, the complement: PALB2 is on the minus strand). VCF-style: chr16-23623090-C-T. GRCh37 (hg19) VCF-style: chr16-23634411-C-T.
Other names: short protein forms V959I.
Identifiers: ClinVar variation 921396 (VCV000921396.3), dbSNP rs1064793658, ClinGen allele CA395144372.

ClinVar aggregate classification (germline): Uncertain significance (1 of 4 stars; one submission).

Conditions:
Hereditary cancer-predisposing syndrome. Also called: Neoplastic Syndromes, Hereditary; Tumor predisposition; Hereditary Cancer Syndrome; Hereditary neoplastic syndrome. Identifiers: Orphanet 140162, MedGen C0027672, MeSH D009386, MONDO:0015356.

Allele frequency attached by ClinVar (database versions not stated): gnomAD exomes below 0.00001.
gnomAD v4.1: 6 of 1,613,868 alleles (0.00037%); highest among the groups gnomAD compares: East Asian, 0.0022%; no homozygotes.

Submission:

Color Diagnostics, LLC DBA Color Health
Classification: Uncertain significance for Hereditary cancer-predisposing syndrome. Last evaluated: 2019-12-18. Review status: criteria provided, single submitter. Criteria: ACMG Guidelines, 2015. Collection method: clinical testing. Allele origin: germline.
Comment: This missense variant replaces valine with isoleucine at codon 959 of the PALB2 protein. Computational prediction tool suggests that this variant may not impact protein structure and function (internally defined REVEL score threshold ≤0.5, PMID: 27666373). Splice site prediction tools suggest that this variant may not impact RNA splicing. To our knowledge, functional studies have not been performed for this variant. This variant has not been reported in individuals affected with hereditary cancer in the literature. This variant has been identified in 1/251418 chromosomes in the general population by the Genome Aggregation Database (gnomAD). The available evidence is insufficient to determine the role of this variant in disease conclusively. Therefore, this variant is classified as a Variant of Uncertain Significance.